The following is an entry in ClinVar:

NM_022436.3(ABCG5):c.1410C>T (p.His470=)

Genes: ABCG5 (ATP binding cassette subfamily G member 5; minus strand), DYNC2LI1 (dynein cytoplasmic 2 light intermediate chain 1; plus strand). Cytogenetic location: 2p21.
Variant type: single nucleotide variant.
Coding change: c.1410C>T on transcript NM_022436.3 (MANE Select); coding-DNA position 1410, C replaced by T.
Protein change: p.His470=; no amino-acid change (histidine 470 retained).
Molecular consequence: synonymous variant. On other transcripts: intron variant (2).
Genome position (GRCh38, 1-based): chr2:43,822,850, G>A on the plus strand (C>T on the coding strand, the complement: ABCG5 is on the minus strand). VCF-style: chr2-43822850-G-A. GRCh37 (hg19) VCF-style: chr2-44049989-G-A.
Other names: c.*16-4536G>A (NM_001348913.2, NM_001348912.2).
Identifiers: ClinVar variation 529882 (VCV000529882.14), dbSNP rs369709495, ClinGen allele CA1636286.

ClinVar aggregate classification (germline): Likely benign. Review status: criteria provided, multiple submitters, no conflicts (2 of 4 stars). 3 submissions from 3 submitters: Likely benign (3). Last evaluated 2026-01-28.

Conditions:
Cardiovascular phenotype. Identifiers: MedGen CN230736.
ABCG5-related disorder. Also called: ABCG5-related condition.
Sitosterolemia (STSL). Also called: PHYTOSTEROLEMIA. Identifiers: Orphanet 2882, MedGen C0342907, MONDO:0008863.

Allele frequency attached by ClinVar (database versions not stated): gnomAD 0.00005 and 0.00006; ESP Exome Variant Server 0.00008; gnomAD exomes 0.00008 and 0.00011; ExAC 0.00012; TOPMed 0.00006.
gnomAD v4.1: 127 of 1,614,048 alleles (0.0079%); highest among the groups gnomAD compares: Middle Eastern, 0.049%; no homozygotes.

Submissions (3):

Labcorp Genetics (formerly Invitae), Labcorp
Classification: Likely benign for Sitosterolemia. Last evaluated: 2026-01-28. Review status: criteria provided, single submitter. Criteria: Invitae Variant Classification Sherloc (09022015). Collection method: clinical testing. Allele origin: germline.

PreventionGenetics, part of Exact Sciences
Classification: Likely benign for ABCG5-related condition. Last evaluated: 2025-01-12. Review status: criteria provided, single submitter. Criteria: ACMG Guidelines, 2015. Collection method: clinical testing. Allele origin: germline.
Comment: This variant is classified as likely benign based on ACMG/AMP sequence variant interpretation guidelines (Richards et al. 2015 PMID: 25741868, with internal and published modifications).

Ambry Genetics
Classification: Likely benign for Cardiovascular phenotype. Last evaluated: 2019-09-27. Review status: criteria provided, single submitter. Criteria: Ambry Variant Classification Scheme 2023. Collection method: clinical testing. Allele origin: germline.